The following is an entry in ClinVar:

NM_000179.3(MSH6):c.3229C>T (p.Pro1077Ser)

Gene: MSH6 (mutS homolog 6; plus strand). Cytogenetic location: 2p16.3.
Variant type: single nucleotide variant.
Coding change: c.3229C>T on transcript NM_000179.3 (MANE Select); coding-DNA position 3229, C replaced by T.
Protein change: p.Pro1077Ser; replaces proline 1077 with serine.
Molecular consequence: missense variant.
Genome position (GRCh38, 1-based): chr2:47,803,476, C>T. VCF-style: chr2-47803476-C-T. GRCh37 (hg19) VCF-style: chr2-48030615-C-T.
Other names: c.2323C>T, p.Pro775Ser (NM_001281493.2, NM_001281494.2, NM_001406814.1 and 6 more transcripts); c.3325C>T, p.Pro1109Ser (NM_001406795.1, NM_001406802.1); c.3229C>T, p.Pro1077Ser (NM_001406796.1, NM_001406800.1, NM_001406808.1 and 1 more transcripts); c.2932C>T, p.Pro978Ser (NM_001406797.1, NM_001406801.1, NM_001406818.1 and 10 more transcripts); c.2704C>T, p.Pro902Ser (NM_001406799.1, NM_001406806.1, NM_001406807.1); c.2365C>T, p.Pro789Ser (NM_001406803.1); c.1663C>T, p.Pro555Ser (NM_001406817.1); c.2839C>T, p.Pro947Ser (NM_001281492.2); and 6 more; short protein forms P1077S, P1109S, P392S, P555S, P4S, P1021S, P1051S, P26S.
Identifiers: ClinVar variation 2087215 (VCV002087215.5), dbSNP rs1669737200, ClinGen allele CA346758038.
Genomic context (GRCh38, chr2:47,803,476, plus strand): 5'-ACAGATGTTTTACTGTGCCTGGCTAACTATAGTCGAGGGGGTGATGGTCCTATGTGTCGC[C>T]CAGTAATTCTGTTGCCGGAAGATACCCCCCCCTTCTTAGAGCTTAAAGGATCACGCCATC-3'
Protein context (NP_000170.1, residues 1067-1087): SRGGDGPMCR[Pro1077Ser]VILLPEDTPP

ClinVar aggregate classification (germline): Uncertain significance. Review status: criteria provided, multiple submitters, no conflicts (2 of 4 stars). 2 submissions from 2 submitters: Uncertain significance (2). Last evaluated 2026-01-15.

Conditions:
Hereditary nonpolyposis colorectal neoplasms. Identifiers: MedGen C0009405, MeSH D003123.
Hereditary cancer-predisposing syndrome. Also called: Neoplastic Syndromes, Hereditary; Tumor predisposition; Hereditary Cancer Syndrome; Hereditary neoplastic syndrome. Identifiers: Orphanet 140162, MedGen C0027672, MeSH D009386, MONDO:0015356.

Submissions (2):

Ambry Genetics
Classification: Uncertain significance for Hereditary cancer-predisposing syndrome. Last evaluated: 2026-01-15. Review status: criteria provided, single submitter. Criteria: Ambry Variant Classification Scheme 2023. Collection method: clinical testing. Allele origin: germline.
Comment: The p.P1077S variant (also known as c.3229C>T), located in coding exon 5 of the MSH6 gene, results from a C to T substitution at nucleotide position 3229. The proline at codon 1077 is replaced by serine, an amino acid with similar properties. This amino acid position is conserved. In addition, this alteration is predicted to be deleterious by in silico analysis. Based on the available evidence, the clinical significance of this variant remains unclear.

Labcorp Genetics (formerly Invitae), Labcorp
Classification: Uncertain significance for Hereditary nonpolyposis colorectal neoplasms. Last evaluated: 2022-04-05. Review status: criteria provided, single submitter. Criteria: Invitae Variant Classification Sherloc (09022015). Collection method: clinical testing. Allele origin: germline.
Comment: This variant is not present in population databases (gnomAD no frequency). This sequence change replaces proline, which is neutral and non-polar, with serine, which is neutral and polar, at codon 1077 of the MSH6 protein (p.Pro1077Ser). This variant has not been reported in the literature in individuals affected with MSH6-related conditions. Advanced modeling of protein sequence and biophysical properties (such as structural, functional, and spatial information, amino acid conservation, physicochemical variation, residue mobility, and thermodynamic stability) performed at Invitae indicates that this missense variant is expected to disrupt MSH6 protein function. In summary, the available evidence is currently insufficient to determine the role of this variant in disease. Therefore, it has been classified as a Variant of Uncertain Significance.